The following is an entry in ClinVar:

NM_018245.3(OGDHL):c.2532A>C (p.Thr844=)

Gene: OGDHL (oxoglutarate dehydrogenase L; minus strand). Cytogenetic location: 10q11.23.
Variant type: single nucleotide variant.
Coding change: c.2532A>C on transcript NM_018245.3 (MANE Select); coding-DNA position 2532, A replaced by C.
Protein change: p.Thr844=; no amino-acid change (threonine 844 retained).
Molecular consequence: synonymous variant.
Genome position (GRCh38, 1-based): chr10:49,737,844, T>G on the plus strand (A>C on the coding strand, the complement: OGDHL is on the minus strand). VCF-style: chr10-49737844-T-G. GRCh37 (hg19) VCF-style: chr10-50945890-T-G.
Other names: c.2361A>C, p.Thr787= (NM_001143996.2, NM_001347820.1); c.1905A>C, p.Thr635= (NM_001143997.2, NM_001347821.2, NM_001347822.1); c.2532A>C, p.Thr844= (NM_001347819.1); c.2352A>C, p.Thr784= (NM_001347823.1, NM_001347824.2); c.1725A>C, p.Thr575= (NM_001347825.2); c.1335A>C, p.Thr445= (NM_001347826.1).
Identifiers: ClinVar variation 3040480 (VCV003040480.2), dbSNP rs41281971, ClinGen allele CA5498124.

ClinVar aggregate classification (germline): Likely benign (0 of 4 stars; one submission).

Conditions:
OGDHL-related disorder. Also called: OGDHL-related condition.

Allele frequency attached by ClinVar (database versions not stated): ESP Exome Variant Server 0.00077; 1000 Genomes Project 30x 0.00078; 1000 Genomes Project 0.00080; gnomAD 0.00095; ExAC 0.00130; TOPMed 0.00161.
gnomAD v4.1: 2,398 of 1,614,004 alleles (0.15%); highest among the groups gnomAD compares: Middle Eastern, 0.4%; 9 homozygotes.

Submission:

PreventionGenetics, part of Exact Sciences
Classification: Likely benign for OGDHL-related condition. Last evaluated: 2019-09-25. Review status: no assertion criteria provided. Collection method: clinical testing. Allele origin: germline.
Comment: This variant is classified as likely benign based on ACMG/AMP sequence variant interpretation guidelines (Richards et al. 2015 PMID: 25741868, with internal and published modifications).